The following is an entry in ClinVar:

ClinVar aggregate classification (germline): Uncertain significance (1 of 4 stars; one submission).

Allele frequency attached by ClinVar (database versions not stated): ESP Exome Variant Server 0.00084; 1000 Genomes Project 0.00020; 1000 Genomes Project 30x 0.00031.
gnomAD v4.1: 192 of 1,614,164 alleles (0.012%); highest among the groups gnomAD compares: African/African-American, 0.17%; no homozygotes.

Submission:

Labcorp Genetics (formerly Invitae), Labcorp
Classification: Uncertain significance. Last evaluated: 2025-05-19. Review status: criteria provided, single submitter. Criteria: Invitae Variant Classification Sherloc (09022015). Collection method: clinical testing. Allele origin: germline.
Comment: This sequence change replaces arginine, which is basic and polar, with histidine, which is basic and polar, at codon 624 of the ATP13A3 protein (p.Arg624His). This variant is present in population databases (rs201073939, gnomAD 0.1%). This variant has not been reported in the literature in individuals affected with ATP13A3-related conditions. ClinVar contains an entry for this variant (Variation ID: 2716183). An algorithm developed to predict the effect of missense changes on protein structure and function (PolyPhen-2) suggests that this variant is likely to be tolerated. In summary, the available evidence is currently insufficient to determine the role of this variant in disease. Therefore, it has been classified as a Variant of Uncertain Significance.

NM_001367549.1(ATP13A3):c.1871G>A (p.Arg624His)

Gene: ATP13A3 (ATPase 13A3; minus strand). Cytogenetic location: 3q29.
Variant type: single nucleotide variant.
Coding change: c.1871G>A on transcript NM_001367549.1 (MANE Select); coding-DNA position 1871, G replaced by A.
Protein change: p.Arg624His; replaces arginine 624 with histidine.
Molecular consequence: missense variant. On other transcripts: non-coding transcript variant (2).
Genome position (GRCh38, 1-based): chr3:194,437,439, C>T on the plus strand (G>A on the coding strand, the complement: ATP13A3 is on the minus strand). VCF-style: chr3-194437439-C-T. GRCh37 (hg19) VCF-style: chr3-194158168-C-T.
Other names: c.1790G>A, p.Arg597His (NM_001374836.1); c.1871G>A, p.Arg624His (NM_024524.4); short protein forms R597H, R624H.
Identifiers: ClinVar variation 2716183 (VCV002716183.3), dbSNP rs201073939, ClinGen allele CA2761831.